The following is an entry in ClinVar:

ClinVar aggregate classification (germline): Pathogenic (1 of 4 stars; one submission).

Conditions:
Short-rib thoracic dysplasia 10 with or without polydactyly (SRTD10). Identifiers: Orphanet 474, MedGen C3810175, MONDO:0014284, OMIM 615630.
Retinitis pigmentosa 71 (RP71). Identifiers: Orphanet 791, MedGen C4225342, MONDO:0014618, OMIM 616394.

Submission:

Labcorp Genetics (formerly Invitae), Labcorp
Classification: Pathogenic for Retinitis pigmentosa 71; Short-rib thoracic dysplasia 10 with or without polydactyly. Last evaluated: 2023-06-08. Review status: criteria provided, single submitter. Criteria: Invitae Variant Classification Sherloc (09022015). Collection method: clinical testing. Allele origin: germline.
Comment: For these reasons, this variant has been classified as Pathogenic. Algorithms developed to predict the effect of sequence changes on RNA splicing suggest that this variant may disrupt the consensus splice site. This variant has not been reported in the literature in individuals affected with IFT172-related conditions. This sequence change creates a premature translational stop signal (p.Ala1210Glyfs*28) in the IFT172 gene. It is expected to result in an absent or disrupted protein product. Loss-of-function variants in IFT172 are known to be pathogenic (PMID: 24140113). This variant is not present in population databases (gnomAD no frequency).

Literature cited by the submitters: PubMed 24140113.

NM_015662.3(IFT172):c.3628dup (p.Ala1210fs)

Genes: IFT172 (intraflagellar transport 172; minus strand), LOC126806173 (BRD4-independent group 4 enhancer GRCh37_chr2:27676057-27677256; plus strand). Cytogenetic location: 2p23.3.
Variant type: Duplication.
Coding change: c.3628dup on transcript NM_015662.3 (MANE Select); coding-DNA position 3628, one base duplicated (G; older notation c.3628dupG).
Protein change: p.Ala1210fs; shifts the reading frame from alanine 1210.
Molecular consequence: frameshift variant.
Genome position (GRCh38, 1-based): chr2:27,454,065, C duplicated on the plus strand (G on the coding strand, the reverse complement: IFT172 is on the minus strand); the first of 6 consecutive C bases (chr2:27,454,065-27,454,070); duplicating any one gives the same sequence. VCF-style (leftmost placement, unchanged base first): chr2-27454064-G-GC. GRCh37 (hg19) VCF-style: chr2-27676931-G-GC.
Other names: c.3562dup, p.Ala1188fs (NM_001410739.1); short protein forms A1210fs, A1188fs.
Identifiers: ClinVar variation 2944588 (VCV002944588.3), dbSNP rs2465836142, ClinGen allele CA2658354447.
Genomic context (GRCh38, chr2:27,454,064, plus strand): 5'-CCTGGTCTCTGGGCCCGGAGCAGCAGCCCTTCTGCTTTCTGAAAGTCCTTCTCCTCCAAG[G>GC]CCCCCCGGGCCTGTCCCACAAGCACCTCGGCGACACTGTCAGGGTCGTGAGCCTCAGCCA-3'